The following is an entry in ClinVar:

NM_015991.4(C1QA):c.129del (p.Arg44fs)

Gene: C1QA (complement C1q A chain; plus strand). Cytogenetic location: 1p36.12.
Variant type: Deletion.
Coding change: c.129del on transcript NM_015991.4 (MANE Select); coding-DNA position 129, one base deleted (G; older notation c.129delG).
Protein change: p.Arg44fs; shifts the reading frame from arginine 44.
Molecular consequence: frameshift variant.
Genome position (GRCh38, 1-based): chr1:22,637,745, G deleted; the last of 5 consecutive G bases (chr1:22,637,741-22,637,745); deleting any one gives the same sequence. VCF-style (leftmost placement, unchanged base first): chr1-22637740-CG-C. GRCh37 (hg19) VCF-style: chr1-22964233-CG-C.
Other names: c.129del, p.Arg44fs (NM_001347465.2, NM_001347466.2); short protein forms R44fs.
Identifiers: ClinVar variation 2025923 (VCV002025923.4), dbSNP rs2522176508, ClinGen allele CA2580061487.

ClinVar aggregate classification (germline): Pathogenic (1 of 4 stars; one submission).

Submission:

Labcorp Genetics (formerly Invitae), Labcorp
Classification: Pathogenic. Last evaluated: 2024-02-24. Review status: criteria provided, single submitter. Criteria: Invitae Variant Classification Sherloc (09022015). Collection method: clinical testing. Allele origin: germline.
Comment: This sequence change results in a frameshift in the C1QA gene (p.Arg44Glyfs*238). While this is not anticipated to result in nonsense mediated decay, it is expected to disrupt the last 202 amino acid(s) of the C1QA protein and extend the protein by 35 additional amino acid residues. This variant is not present in population databases (gnomAD no frequency). This variant has not been reported in the literature in individuals affected with C1QA-related conditions. ClinVar contains an entry for this variant (Variation ID: 2025923). Experimental studies and prediction algorithms are not available or were not evaluated, and the functional significance of this variant is currently unknown. This variant disrupts a region of the C1QA protein in which other variant(s) (p.Gln208*) have been determined to be pathogenic (PMID: 7594474, 8840296, 9225968, 21654842, 26563161, 29739689, 30008451). This suggests that this is a clinically significant region of the protein, and that variants that disrupt it are likely to be disease-causing. For these reasons, this variant has been classified as Pathogenic.

Literature cited by the submitters: PubMed 7594474; PubMed 8840296; PubMed 9225968; PubMed 21654842; PubMed 26563161; PubMed 29739689; PubMed 30008451.